The following is an entry in ClinVar:

ClinVar aggregate classification (germline): Uncertain significance (1 of 4 stars; one submission).

Conditions:
Familial thoracic aortic aneurysm and aortic dissection (TAAD). Also called: Thoracic aortic aneurysms and dissections. Identifiers: Orphanet 91387, MedGen C4707243, MONDO:0019625.

Submission:

Color Diagnostics, LLC DBA Color Health
Classification: Uncertain significance for Familial thoracic aortic aneurysm and aortic dissection. Last evaluated: 2023-10-31. Review status: criteria provided, single submitter. Criteria: ACMG Guidelines, 2015. Collection method: clinical testing. Allele origin: germline.
Comment: This missense variant replaces valine with phenylalanine at codon 360 of the MYH11 protein. Computational prediction suggests that this variant may have a deleterious impact on protein structure and function (internally defined REVEL score threshold >= 0.7, PMID: 27666373). To our knowledge, functional studies have not been reported for this variant. This variant has not been reported in individuals affected with MYH11-related disorders in the literature. This variant has not been identified in the general population by the Genome Aggregation Database (gnomAD). The available evidence is insufficient to determine the role of this variant in disease conclusively. Therefore, this variant is classified as a Variant of Uncertain Significance.

NM_002474.3(MYH11):c.1057G>T (p.Val353Phe)

Gene: MYH11 (myosin heavy chain 11; minus strand). Cytogenetic location: 16p13.11.
Variant type: single nucleotide variant.
Coding change: c.1057G>T on transcript NM_002474.3 (MANE Select); coding-DNA position 1057, G replaced by T.
Protein change: p.Val353Phe; replaces valine 353 with phenylalanine.
Molecular consequence: missense variant.
Genome position (GRCh38, 1-based): chr16:15,763,868, C>A on the plus strand (G>T on the coding strand, the complement: MYH11 is on the minus strand). VCF-style: chr16-15763868-C-A. GRCh37 (hg19) VCF-style: chr16-15857725-C-A.
Other names: c.1078G>T, p.Val360Phe (NM_001040113.2, NM_001040114.2); c.1057G>T, p.Val353Phe (NM_022844.3); short protein forms V353F, V360F.
Identifiers: ClinVar variation 2773862 (VCV002773862.2), dbSNP rs2506445491, ClinGen allele CA394865816.
Genomic context (GRCh38, chr16:15,763,868, plus strand): 5'-GCATGGACGCCTGGTCTGTGTTTCTTTCCTTCTTGAAGACGATATTTCCAAGCTGCAGGA[C>A]CGATGATACCACCTTCAATATGGCTGAGGTGGGGAGAGAAGGGCAGAGCAGACACAAAGG-3'
Protein context (NP_002465.1, residues 343-363): QLSILKVVSS[Val353Phe]LQLGNIVFKK